The following is an entry in ClinVar:

ClinVar aggregate classification (germline): Uncertain significance (1 of 4 stars; one submission).

Submission:

Labcorp Genetics (formerly Invitae), Labcorp
Classification: Uncertain significance. Last evaluated: 2023-01-28. Review status: criteria provided, single submitter. Criteria: Invitae Variant Classification Sherloc (09022015). Collection method: clinical testing. Allele origin: germline.
Comment: This sequence change replaces proline, which is neutral and non-polar, with serine, which is neutral and polar, at codon 1425 of the COL4A1 protein (p.Pro1425Ser). This variant is not present in population databases (gnomAD no frequency). In summary, the available evidence is currently insufficient to determine the role of this variant in disease. Therefore, it has been classified as a Variant of Uncertain Significance. Algorithms developed to predict the effect of missense changes on protein structure and function are either unavailable or do not agree on the potential impact of this missense change (SIFT: "Deleterious"; PolyPhen-2: "Not Available"; Align-GVGD: "Class C65"). This variant has not been reported in the literature in individuals affected with COL4A1-related conditions.

NM_001845.6(COL4A1):c.4273C>T (p.Pro1425Ser)

Gene: COL4A1 (collagen type IV alpha 1 chain; minus strand). Cytogenetic location: 13q34.
Variant type: single nucleotide variant.
Coding change: c.4273C>T on transcript NM_001845.6 (MANE Select); coding-DNA position 4273, C replaced by T.
Protein change: p.Pro1425Ser; replaces proline 1425 with serine.
Molecular consequence: missense variant.
Genome position (GRCh38, 1-based): chr13:110,162,419, G>A on the plus strand (C>T on the coding strand, the complement: COL4A1 is on the minus strand). VCF-style: chr13-110162419-G-A. GRCh37 (hg19) VCF-style: chr13-110814766-G-A.
Other names: short protein forms P1425S.
Identifiers: ClinVar variation 2832698 (VCV002832698.3), dbSNP rs2501738770, ClinGen allele CA388658597.